The following is an entry in ClinVar:

ClinVar aggregate classification (germline): Pathogenic/Likely pathogenic. Review status: criteria provided, multiple submitters, no conflicts (2 of 4 stars). 3 submissions from 3 submitters: Pathogenic (1); Likely pathogenic (1). 1 of the submissions does not count toward it. Last evaluated 2024-01-16.

Conditions:
Autosomal recessive nonsyndromic hearing loss 7. Also called: DEAFNESS, AUTOSOMAL RECESSIVE 11. Identifiers: Orphanet 90636, MedGen C1832978, MONDO:0010967, OMIM 600974.
Autosomal dominant nonsyndromic hearing loss 36. Identifiers: Orphanet 90635, MedGen C1847626, MONDO:0011708, OMIM 606705.

Submissions (3):

Fulgent Genetics
Classification: Pathogenic for Autosomal recessive nonsyndromic hearing loss 7; Autosomal dominant nonsyndromic hearing loss 36. Last evaluated: 2024-01-16. Review status: criteria provided, single submitter. Criteria: ACMG Guidelines, 2015. Collection method: clinical testing. Allele origin: germline.

Juno Genomics, Hangzhou Juno Genomics, Inc
Classification: Likely pathogenic for Autosomal dominant nonsyndromic hearing loss 36; Autosomal recessive nonsyndromic hearing loss 7. Review status: criteria provided, single submitter. Criteria: ACMG Guidelines, 2015. Collection method: clinical testing. Allele origin: germline. Affected: yes.
Comment: Absent from controls (or at extremely low frequency if recessive) in Genome Aggregation Database, Exome Sequencing Project, 1000 Genomes Project, or Exome Aggregation Consortium.;Null variant in a gene where loss of function (LOF) is a known mechanism of disease.

Deafness Molecular Diagnostic Center, Chinese PLA General Hospital
Classification: Pathogenic for Autosomal recessive nonsyndromic hearing loss 7. Review status: no assertion criteria provided. Collection method: case-control. Allele origin: paternal. Affected: yes. Not counted in ClinVar's aggregate classification.

NM_138691.3(TMC1):c.150del (p.Asn50fs)

Gene: TMC1 (transmembrane channel like 1; plus strand). Cytogenetic location: 9q21.13.
Variant type: Deletion.
Coding change: c.150del on transcript NM_138691.3 (MANE Select); coding-DNA position 150, one base deleted (T; older notation c.150delT).
Protein change: p.Asn50fs; shifts the reading frame from asparagine 50.
Molecular consequence: frameshift variant.
Genome position (GRCh38, 1-based): chr9:72,694,628, T deleted. VCF-style (leftmost placement, unchanged base first): chr9-72694627-AT-A. GRCh37 (hg19) VCF-style: chr9-75309543-AT-A.
Other names: short protein forms N50fs.
Identifiers: ClinVar variation 1297078 (VCV001297078.4), dbSNP rs2132189585, ClinGen allele CA2573144683.
Genomic context (GRCh38, chr9:72,694,627, plus strand): 5'-ATAAGCTACCTCGAAGAGAGAGCTTGAGACCAAAGAGGAAACGGACCAGAGATGTTATCA[AT>A]GAGGATGACCCAGAACCTGAACCAGAGGATGAAGAAACAAGGAAGGCAAGAGAAAAAGAG-3'